The following is an entry in ClinVar:

ClinVar aggregate classification (germline): Uncertain significance. Review status: criteria provided, multiple submitters, no conflicts (2 of 4 stars). 2 submissions from 2 submitters: Uncertain significance (2). Last evaluated 2025-05-23.

Conditions:
STIM1-related disorder. Also called: STIM1-related condition.
Myopathy, tubular aggregate, 1 (TAM1). Identifiers: MedGen C4011726, MONDO:0024531, OMIM 160565.

Submissions (2):

PreventionGenetics, part of Exact Sciences
Classification: Uncertain significance for STIM1-related condition. Last evaluated: 2025-05-23. Review status: criteria provided, single submitter. Criteria: ACMG Guidelines, 2015. Collection method: clinical testing. Allele origin: germline.
Comment: The STIM1 c.1569_1580delinsACTCCCTCG variant is predicted to result in an in-frame deletion and insertion. To our knowledge, this variant has not been reported in the literature or in a large population database (gnomAD), indicating this variant is rare. At this time, the clinical significance of this variant is uncertain due to the absence of conclusive functional and genetic evidence.

3billion
Classification: Uncertain significance for Myopathy, tubular aggregate, 1. Last evaluated: 2024-11-28. Review status: criteria provided, single submitter. Criteria: ACMG Guidelines, 2015. Collection method: clinical testing. Allele origin: germline. Affected: yes.
Comment: The variant is not observed in the gnomAD v4.1.0 dataset. Predicted Consequence/Location: Inframe deletion-insertion located in a nonrepeat region: predicted to change the length of the protein and disrupt normal protein function. Therefore, this variant is classified as VUS according to the recommendation of ACMG/AMP guideline.

NM_001382567.1(STIM1):c.1662_1673delinsACTCCCTCG (p.Ser555_Met558delinsLeuProArg)

Gene: STIM1 (stromal interaction molecule 1; plus strand). Cytogenetic location: 11p15.4.
Variant type: Indel.
Coding change: c.1662_1673delinsACTCCCTCG on transcript NM_001382567.1 (MANE Select); coding-DNA positions 1662 to 1673, CTCCCTCCACAT replaced by ACTCCCTCG.
Protein change: p.Ser555_Met558delinsLeuProArg.
Molecular consequence: inframe indel. On other transcripts: non-coding transcript variant (3).
Genome position (GRCh38, 1-based): chr11:4,091,309-4,091,320, CTCCCTCCACAT replaced by ACTCCCTCG. VCF-style: chr11-4091309-CTCCCTCCACAT-ACTCCCTCG. GRCh37 (hg19) VCF-style: chr11-4112539-CTCCCTCCACAT-ACTCCCTCG.
Other names: c.1341_1352delinsACTCCCTCG, p.Ser448_Met451delinsLeuProArg (NM_001382570.1); c.1089_1100delinsACTCCCTCG, p.Ser364_Met367delinsLeuProArg (NM_001382571.1); c.1347_1358delinsACTCCCTCG, p.Ser450_Met453delinsLeuProArg (NM_001382575.1, NM_001382576.1, NM_001382577.1); c.1384_1395delinsACTCCCTCG, p.Leu462_His465delinsThrProSer (NM_001382578.1, NM_001382579.1); c.1117_1128delinsACTCCCTCG, p.Leu373_His376delinsThrProSer (NM_001382580.1); c.1080_1091delinsACTCCCTCG, p.Ser361_Met364delinsLeuProArg (NM_001382581.1); c.1569_1580delCTCCCTCCACATinsACTCCCTCG, p.Ser524_Met527delinsLeuProArg (NM_003156.3); c.1569_1580delinsACTCCCTCG, p.Ser524_Met527delinsLeuProArg (NM_003156.4); and 5 more.
Identifiers: ClinVar variation 2633685 (VCV002633685.3), dbSNP rs2498541554, ClinGen allele CA2695201063.